The following is an entry in ClinVar:

ClinVar aggregate classification (germline): Likely pathogenic (1 of 4 stars; one submission).

Conditions:
Biotinidase deficiency. Also called: BTD deficiency; Late-onset biotin-responsive multiple carboxylase deficiency; Biotin deficiency. Identifiers: Orphanet 79241, MedGen C0220754, MONDO:0009665, OMIM 253260.

Submission:

Labcorp Genetics (formerly Invitae), Labcorp
Classification: Likely pathogenic for Biotinidase deficiency. Last evaluated: 2022-11-29. Review status: criteria provided, single submitter. Criteria: Invitae Variant Classification Sherloc (09022015). Collection method: clinical testing. Allele origin: germline.
Comment: In summary, the currently available evidence indicates that the variant is pathogenic, but additional data are needed to prove that conclusively. Therefore, this variant has been classified as Likely Pathogenic. Advanced modeling of protein sequence and biophysical properties (such as structural, functional, and spatial information, amino acid conservation, physicochemical variation, residue mobility, and thermodynamic stability) performed at Invitae indicates that this missense variant is expected to disrupt BTD protein function. This missense change has been observed in individual(s) with biotinidase deficiency (PMID: 12359137). This variant is not present in population databases (gnomAD no frequency). This sequence change replaces glycine, which is neutral and non-polar, with glutamic acid, which is acidic and polar, at codon 537 of the BTD protein (p.Gly537Glu).

Literature cited by the submitters: PubMed 12359137.

NM_001370658.1(BTD):c.1550G>A (p.Gly517Glu)

Gene: BTD (biotinidase; plus strand). Cytogenetic location: 3p25.1.
Variant type: single nucleotide variant.
Coding change: c.1550G>A on transcript NM_001370658.1 (MANE Select); coding-DNA position 1550, G replaced by A.
Protein change: p.Gly517Glu; replaces glycine 517 with glutamic acid.
Molecular consequence: missense variant. On other transcripts: intron variant (2).
Genome position (GRCh38, 1-based): chr3:15,645,466, G>A. VCF-style: chr3-15645466-G-A. GRCh37 (hg19) VCF-style: chr3-15686973-G-A.
Other names: c.1610G>A, p.Gly537Glu (NM_000060.4); c.1550G>A, p.Gly517Glu (NM_001281723.4, NM_001281724.3, NM_001281725.3 and 16 more transcripts); c.1015+535G>A (NM_001370752.1); c.399+3409G>A (NM_001370753.1); short protein forms G517E.
Identifiers: ClinVar variation 2734457 (VCV002734457.3), dbSNP rs397514428, ClinGen allele CA278354.